The following is an entry in ClinVar:

NM_020800.3(IFT80):c.743C>T (p.Ser248Leu)

Genes: TRIM59-IFT80 (TRIM59-IFT80 readthrough (NMD candidate); minus strand), IFT80 (intraflagellar transport 80; minus strand). Cytogenetic location: 3q25.33.
Variant type: single nucleotide variant.
Coding change: c.743C>T on transcript NM_020800.3 (MANE Select); coding-DNA position 743, C replaced by T.
Protein change: p.Ser248Leu; replaces serine 248 with leucine.
Molecular consequence: missense variant. On other transcripts: non-coding transcript variant (3).
Genome position (GRCh38, 1-based): chr3:160,356,047, G>A on the plus strand (C>T on the coding strand, the complement: IFT80 is on the minus strand). VCF-style: chr3-160356047-G-A. GRCh37 (hg19) VCF-style: chr3-160073835-G-A.
Other names: c.332C>T, p.Ser111Leu (NM_001190241.2, NM_001190242.2); short protein forms S111L, S248L.
Identifiers: ClinVar variation 1058545 (VCV001058545.6), dbSNP rs754764834, ClinGen allele CA2685384.

ClinVar aggregate classification (germline): Uncertain significance (1 of 4 stars; one submission).

Conditions:
Jeune thoracic dystrophy. Also called: Jeune syndrome; Infantile thoracic dystrophy; Thoracic pelvic phalangeal dystrophy; Jeune's syndrome; Chondroectodermal dysplasia-like syndrome; Short-rib thoracic dysplasia. Identifiers: Orphanet 474, MedGen C0265275, MONDO:0018770.

Allele frequency attached by ClinVar (database versions not stated): gnomAD 0.00001; TOPMed 0.00002.
gnomAD v4.1: 15 of 1,613,884 alleles (0.00093%); highest among the groups gnomAD compares: East Asian, 0.013%; no homozygotes.

Submission:

Labcorp Genetics (formerly Invitae), Labcorp
Classification: Uncertain significance for Jeune thoracic dystrophy. Last evaluated: 2022-04-16. Review status: criteria provided, single submitter. Criteria: Invitae Variant Classification Sherloc (09022015). Collection method: clinical testing. Allele origin: germline.
Comment: This sequence change replaces serine, which is neutral and polar, with leucine, which is neutral and non-polar, at codon 248 of the IFT80 protein (p.Ser248Leu). This variant is present in population databases (rs754764834, gnomAD 0.02%). This variant has not been reported in the literature in individuals affected with IFT80-related conditions. ClinVar contains an entry for this variant (Variation ID: 1058545). Algorithms developed to predict the effect of missense changes on protein structure and function are either unavailable or do not agree on the potential impact of this missense change (SIFT: "Deleterious"; PolyPhen-2: "Benign"; Align-GVGD: "Class C25"). In summary, the available evidence is currently insufficient to determine the role of this variant in disease. Therefore, it has been classified as a Variant of Uncertain Significance.